The following is an entry in ClinVar:

NM_001164508.2(NEB):c.21313-2A>T

Genes: NEB (nebulin; minus strand), RIF1 (replication timing regulatory factor 1; plus strand). Cytogenetic location: 2q23.3.
Variant type: single nucleotide variant.
Coding change: c.21313-2A>T on transcript NM_001164508.2 (MANE Select); the canonical splice acceptor site of the intron before coding-DNA position 21313, A replaced by T.
Molecular consequence: splice acceptor variant. On other transcripts: intron variant (2).
Genome position (GRCh38, 1-based): chr2:151,533,548, T>A on the plus strand (A>T on the coding strand, the complement: NEB is on the minus strand). VCF-style: chr2-151533548-T-A. GRCh37 (hg19) VCF-style: chr2-152390062-T-A.
Other names: c.16314+667A>T (NM_004543.5); c.21417+667A>T (NM_001164507.2); c.21418-2A>T (NM_001271208.2, NM_001271208.1).
Identifiers: ClinVar variation 1507077 (VCV001507077.7), dbSNP rs1212081578, ClinGen allele CA348772003.

ClinVar aggregate classification (germline): Likely pathogenic. Review status: criteria provided, multiple submitters, no conflicts (2 of 4 stars). 2 submissions from 2 submitters: Likely pathogenic (2). Last evaluated 2024-03-11.

Conditions:
Arthrogryposis multiplex congenita 6. Identifiers: MedGen C5543431, MONDO:0030281, OMIM 619334.
Nemaline myopathy 2 (NEM2). Also called: Nemaline myopathy 2, autosomal recessive. Identifiers: MedGen C1850569, MONDO:0009725, OMIM 256030.

Allele frequency attached by ClinVar (database versions not stated): gnomAD exomes 0.00001.
gnomAD v4.1: 1 of 1,544,258 alleles (0.000065%); highest among the groups gnomAD compares: Admixed American, 0.002%; no homozygotes.

Submissions (2):

Baylor Genetics
Classification: Likely pathogenic for Arthrogryposis multiplex congenita 6. Last evaluated: 2024-03-11. Review status: criteria provided, single submitter. Criteria: ACMG Guidelines, 2015. Collection method: clinical testing. Allele origin: unknown.

Labcorp Genetics (formerly Invitae), Labcorp
Classification: Likely pathogenic for Nemaline myopathy 2. Last evaluated: 2021-07-23. Review status: criteria provided, single submitter. Criteria: Invitae Variant Classification Sherloc (09022015). Collection method: clinical testing. Allele origin: germline.
Comment: In summary, the currently available evidence indicates that the variant is pathogenic, but additional data are needed to prove that conclusively. Therefore, this variant has been classified as Likely Pathogenic. Algorithms developed to predict the effect of sequence changes on RNA splicing suggest that this variant may disrupt the consensus splice site. This variant has not been reported in the literature in individuals affected with NEB-related conditions. This variant is not present in population databases (ExAC no frequency). This sequence change affects an acceptor splice site in intron 143 of the NEB gene. It is expected to disrupt RNA splicing. Variants that disrupt the donor or acceptor splice site typically lead to a loss of protein function (PMID: 16199547), and loss-of-function variants in NEB are known to be pathogenic (PMID: 25205138).

Literature cited by the submitters: PubMed 16199547 (cited by Labcorp Genetics (formerly Invitae), Labcorp); PubMed 25205138 (cited by Labcorp Genetics (formerly Invitae), Labcorp).